The following is an entry in ClinVar:

NC_000022.10:g.(?_32193566)_(32202197_?)del

Gene: DEPDC5 (DEP domain containing 5, GATOR1 subcomplex subunit; plus strand). Cytogenetic location: 22q12.2-12.3.
Variant type: Deletion.
Identifiers: ClinVar variation 3247830 (VCV003247830.1).

ClinVar aggregate classification (germline): Pathogenic (1 of 4 stars; one submission).

Conditions:
Familial focal epilepsy with variable foci (FPEVF). Identifiers: Orphanet 98820, MedGen C1858477, MONDO:0020310.

Submission:

Labcorp Genetics (formerly Invitae), Labcorp
Classification: Pathogenic for Familial focal epilepsy with variable foci. Last evaluated: 2024-01-16. Review status: criteria provided, single submitter. Criteria: Invitae Variant Classification Sherloc (09022015). Collection method: clinical testing. Allele origin: unknown.
Comment: This variant is a gross deletion of the genomic region encompassing exon(s) 13-18 of the DEPDC5 gene. This deletion is out-of-frame, and is expected to create a premature termination codon and result in an absent or disrupted protein product. Loss-of-function variants in DEPDC5 are known to be pathogenic (PMID: 23542697, 23542701). This variant has not been reported in the literature in individuals affected with DEPDC5-related conditions. For these reasons, this variant has been classified as Pathogenic.

Literature cited by the submitters: PubMed 23542697; PubMed 23542701.